The following is an entry in ClinVar:

ClinVar aggregate classification (germline): Conflicting classifications of pathogenicity. Review status: criteria provided, conflicting classifications (1 of 4 stars). 7 submissions from 7 submitters: Uncertain significance (6); Likely benign (1). Last evaluated 2025-12-06.

Conditions:
Ovarian cancer. Also called: OVARIAN CANCER, SOMATIC. Identifiers: Orphanet 213500, MedGen C1140680, MONDO:0008170, OMIM 167000.
Blepharocheilodontic syndrome 1 (BCDS1). Identifiers: Orphanet 1997, MedGen C4551988, MONDO:0054740, OMIM 119580.
Hereditary diffuse gastric adenocarcinoma (HDGC). Also called: DIFFUSE GASTRIC AND LOBULAR BREAST CANCER SYNDROME. Identifiers: Orphanet 26106, MedGen C1708349, MONDO:0007648, OMIM 137215.
Familial cancer of breast. Also called: Hereditary breast cancer; hereditary breast carcinoma; BREAST CANCER, FAMILIAL. Identifiers: Orphanet 227535, MedGen C0346153, MONDO:0016419, OMIM 114480. Disease mechanism: loss of function.
Endometrial carcinoma. Also called: Endometrial carcinoma, somatic. Identifiers: MedGen C0476089, MONDO:0002447, OMIM 608089, HP:0012114.
Hereditary cancer-predisposing syndrome. Also called: Neoplastic Syndromes, Hereditary; Hereditary Cancer Syndrome; Tumor predisposition; Hereditary neoplastic syndrome. Identifiers: Orphanet 140162, MedGen C0027672, MeSH D009386, MONDO:0015356.

gnomAD v4.1: 2 of 1,613,714 alleles (0.00012%); highest among the groups gnomAD compares: Non-Finnish European, 0.00017%; no homozygotes.

Submissions (7):

Labcorp Genetics (formerly Invitae), Labcorp
Classification: Uncertain significance for Hereditary diffuse gastric adenocarcinoma. Last evaluated: 2025-12-06. Review status: criteria provided, single submitter. Criteria: Invitae Variant Classification Sherloc (09022015). Collection method: clinical testing. Allele origin: germline.
Comment: This sequence change replaces asparagine, which is neutral and polar, with aspartic acid, which is acidic and polar, at codon 643 of the CDH1 protein (p.Asn643Asp). This variant is not present in population databases (gnomAD no frequency). This missense change has been observed in individual(s) with clinical features of CDH1-related conditions (PMID: 31159747). ClinVar contains an entry for this variant (Variation ID: 141161). An algorithm developed to predict the effect of missense changes on protein structure and function (PolyPhen-2) suggests that this variant is likely to be tolerated. In summary, the available evidence is currently insufficient to determine the role of this variant in disease. Therefore, it has been classified as a Variant of Uncertain Significance.

Ambry Genetics
Classification: Likely benign for Hereditary cancer-predisposing syndrome. Last evaluated: 2025-05-21. Review status: criteria provided, single submitter. Criteria: Ambry Variant Classification Scheme 2023. Collection method: clinical testing. Allele origin: germline.

Blueprint Genetics
Classification: Uncertain significance. Last evaluated: 2024-02-13. Review status: criteria provided, single submitter. Criteria: ACMG Guidelines, 2015. Collection method: clinical testing. Allele origin: germline.

Fulgent Genetics
Classification: Uncertain significance for Familial cancer of breast; Blepharocheilodontic syndrome 1; Hereditary diffuse gastric adenocarcinoma; Ovarian cancer; Endometrial carcinoma. Last evaluated: 2024-01-10. Review status: criteria provided, single submitter. Criteria: ACMG Guidelines, 2015. Collection method: clinical testing. Allele origin: germline.

Color Diagnostics, LLC DBA Color Health
Classification: Uncertain significance for Hereditary cancer-predisposing syndrome. Last evaluated: 2023-03-15. Review status: criteria provided, single submitter. Criteria: ACMG Guidelines, 2015. Collection method: clinical testing. Allele origin: germline.
Comment: This missense variant replaces asparagine with aspartic acid at codon 643 of the CDH1 protein. To our knowledge, functional studies have not been reported for this variant. This variant has been reported in an individual undergoing genetic testing for hereditary cancer (PMID: 31159747). This variant has not been identified in the general population by the Genome Aggregation Database (gnomAD). The available evidence is insufficient to determine the role of this variant in disease conclusively. Therefore, this variant is classified as a Variant of Uncertain Significance.

GeneDx
Classification: Uncertain significance. Last evaluated: 2019-12-06. Review status: criteria provided, single submitter. Criteria: GeneDx Variant Classification Process June 2021. Collection method: clinical testing. Allele origin: germline. Affected: yes.
Comment: Not observed in large population cohorts (Lek 2016); In silico analysis, which includes protein predictors and evolutionary conservation, supports a deleterious effect; Observed in an individual undergoing hereditary cancer panel testing (Tsaousis 2019); This variant is associated with the following publications: (PMID: 31159747)

GeneKor MSA
Classification: Uncertain significance for Hereditary cancer-predisposing syndrome. Last evaluated: 2018-08-01. Review status: criteria provided, single submitter. Criteria: ACMG Guidelines, 2015. Collection method: clinical testing. Allele origin: germline. Affected: yes.

Literature cited by the submitters: PubMed 31159747 (cited by Labcorp Genetics (formerly Invitae), Labcorp and Color Diagnostics, LLC DBA Color Health).

NM_004360.5(CDH1):c.1927A>G (p.Asn643Asp)

Gene: CDH1 (cadherin 1; plus strand). Cytogenetic location: 16q22.1.
Variant type: single nucleotide variant.
Coding change: c.1927A>G on transcript NM_004360.5 (MANE Select); coding-DNA position 1927, A replaced by G.
Protein change: p.Asn643Asp; replaces asparagine 643 with aspartic acid.
Molecular consequence: missense variant. On other transcripts: 5 prime UTR variant (1).
Genome position (GRCh38, 1-based): chr16:68,822,216, A>G. VCF-style: chr16-68822216-A-G. GRCh37 (hg19) VCF-style: chr16-68856119-A-G.
Other names: c.1927A>G (LRG_301t1); c.1744A>G, p.Asn582Asp (NM_001317184.2); c.379A>G, p.Asn127Asp (NM_001317185.2); c.-39A>G (NM_001317186.2); short protein forms N643D, N582D, N127D.
Identifiers: ClinVar variation 141161 (VCV000141161.21), dbSNP rs587781540, ClinGen allele CA164642.